The following is an entry in ClinVar:

ClinVar aggregate classification (germline): Uncertain significance (1 of 4 stars; one submission).

Conditions:
Charcot-Marie-Tooth disease type 4A. Also called: Charcot-Marie-Tooth disease, demyelinating, autosomal recessive, type 4a. Identifiers: Orphanet 99948, MedGen C1859198, MONDO:0008961, OMIM 214400.

Submission:

Labcorp Genetics (formerly Invitae), Labcorp
Classification: Uncertain significance for Charcot-Marie-Tooth disease type 4A. Last evaluated: 2019-10-24. Review status: criteria provided, single submitter. Criteria: Invitae Variant Classification Sherloc (09022015). Collection method: clinical testing. Allele origin: germline.
Comment: This variant has not been reported in the literature in individuals with GDAP1-related conditions. This variant is not present in population databases (ExAC no frequency). This sequence change replaces proline with serine at codon 355 of the GDAP1 protein (p.Pro355Ser). The proline residue is moderately conserved and there is a moderate physicochemical difference between proline and serine. In summary, the available evidence is currently insufficient to determine the role of this variant in disease. Therefore, it has been classified as a Variant of Uncertain Significance. Algorithms developed to predict the effect of missense changes on protein structure and function are either unavailable or do not agree on the potential impact of this missense change (SIFT: "Deleterious"; PolyPhen-2: "Benign"; Align-GVGD: "Class C0").

NM_018972.4(GDAP1):c.1063C>T (p.Pro355Ser)

Gene: GDAP1 (ganglioside induced differentiation associated protein 1; plus strand). Cytogenetic location: 8q21.11.
Variant type: single nucleotide variant.
Coding change: c.1063C>T on transcript NM_018972.4 (MANE Select); coding-DNA position 1063, C replaced by T.
Protein change: p.Pro355Ser; replaces proline 355 with serine.
Molecular consequence: missense variant. On other transcripts: intron variant (1).
Genome position (GRCh38, 1-based): chr8:74,364,353, C>T. VCF-style: chr8-74364353-C-T. GRCh37 (hg19) VCF-style: chr8-75276588-C-T.
Other names: c.859C>T, p.Pro287Ser (NM_001040875.4); c.736C>T, p.Pro246Ser (NM_001362929.2, NM_001362932.2); c.889C>T, p.Pro297Ser (NM_001362930.2); c.694+1300C>T (NM_001362931.2); short protein forms P297S, P355S, P287S, P246S.
Identifiers: ClinVar variation 962083 (VCV000962083.9), dbSNP rs1219244427, ClinGen allele CA371550868.